The following is an entry in ClinVar:

ClinVar aggregate classification (germline): Uncertain significance (1 of 4 stars; one submission).

Conditions:
Emery-Dreifuss muscular dystrophy (EDMD). Also called: Scapuloperoneal syndrome, X-linked (formerly); Humeroperoneal neuromuscular disease, (formerly). Identifiers: Orphanet 261, MedGen C0410189, MONDO:0016830.

Allele frequency attached by ClinVar (database versions not stated): gnomAD exomes below 0.00001; ExAC 0.00001; gnomAD 0.00001.
gnomAD v4.1: 5 of 1,613,928 alleles (0.00031%); highest among the groups gnomAD compares: South Asian, 0.0033%; no homozygotes.

Submission:

Labcorp Genetics (formerly Invitae), Labcorp
Classification: Uncertain significance for Emery-Dreifuss muscular dystrophy. Last evaluated: 2021-06-25. Review status: criteria provided, single submitter. Criteria: Invitae Variant Classification Sherloc (09022015). Collection method: clinical testing. Allele origin: germline.
Comment: In summary, the available evidence is currently insufficient to determine the role of this variant in disease. Therefore, it has been classified as a Variant of Uncertain Significance. Algorithms developed to predict the effect of missense changes on protein structure and function are either unavailable or do not agree on the potential impact of this missense change (SIFT: "Deleterious"; PolyPhen-2: "Probably Damaging"; Align-GVGD: "Class C0"). This variant has not been reported in the literature in individuals with SUN2-related conditions. This variant is present in population databases (rs764864329, ExAC 0.002%). This sequence change replaces aspartic acid with asparagine at codon 139 of the SUN2 protein (p.Asp139Asn). The aspartic acid residue is moderately conserved and there is a small physicochemical difference between aspartic acid and asparagine.

NM_015374.3(SUN2):c.415G>A (p.Asp139Asn)

Gene: SUN2 (Sad1 and UNC84 domain containing 2; minus strand). Cytogenetic location: 22q13.1.
Variant type: single nucleotide variant.
Coding change: c.415G>A on transcript NM_015374.3 (MANE Select); coding-DNA position 415, G replaced by A.
Protein change: p.Asp139Asn; replaces aspartic acid 139 with asparagine.
Molecular consequence: missense variant. On other transcripts: intron variant (4).
Genome position (GRCh38, 1-based): chr22:38,750,907, C>T on the plus strand (G>A on the coding strand, the complement: SUN2 is on the minus strand). VCF-style: chr22-38750907-C-T. GRCh37 (hg19) VCF-style: chr22-39146912-C-T.
Other names: c.415G>A, p.Asp139Asn (NM_001199579.2, NM_001199580.2, NM_001394427.1 and 11 more transcripts); c.460G>A, p.Asp154Asn (NM_001394429.1, NM_001394430.1); c.325G>A, p.Asp109Asn (NM_001394438.1); c.122+1600G>A (NM_001394443.1); c.286+303G>A (NM_001394439.1, NM_001394441.1, NM_001394440.1); short protein forms D154N, D109N, D139N.
Identifiers: ClinVar variation 1395455 (VCV001395455.8), dbSNP rs764864329, ClinGen allele CA10235968.